The following is an entry in ClinVar:

ClinVar aggregate classification (germline): Uncertain significance (1 of 4 stars; one submission).

Conditions:
Microcephaly, normal intelligence and immunodeficiency (NBS). Also called: SEEMANOVA SYNDROME II; Nijmegen breakage syndrome; Microcephaly with normal intelligence immunodeficiency and lymphoreticular malignancies; Nonsyndromal microcephaly autosomal recessive with normal intelligence; Seemanova syndrome 2; IMMUNODEFICIENCY, MICROCEPHALY, AND CHROMOSOMAL INSTABILITY. Identifiers: Orphanet 647, MedGen C0398791, MONDO:0009623, OMIM 251260.

gnomAD v4.1: 1 of 1,613,566 alleles (0.000062%); highest among the groups gnomAD compares: Non-Finnish European, 0.000085%; no homozygotes.

Submission:

Labcorp Genetics (formerly Invitae), Labcorp
Classification: Uncertain significance for Microcephaly, normal intelligence and immunodeficiency. Last evaluated: 2023-02-27. Review status: criteria provided, single submitter. Criteria: Invitae Variant Classification Sherloc (09022015). Collection method: clinical testing. Allele origin: germline.
Comment: In summary, the available evidence is currently insufficient to determine the role of this variant in disease. Therefore, it has been classified as a Variant of Uncertain Significance. An algorithm developed to predict the effect of missense changes on protein structure and function (PolyPhen-2) suggests that this variant is likely to be disruptive. ClinVar contains an entry for this variant (Variation ID: 2160601). This variant has not been reported in the literature in individuals affected with NBN-related conditions. This variant is not present in population databases (gnomAD no frequency). This sequence change replaces alanine, which is neutral and non-polar, with aspartic acid, which is acidic and polar, at codon 557 of the NBN protein (p.Ala557Asp).

NM_002485.5(NBN):c.1670C>A (p.Ala557Asp)

Gene: NBN (nibrin; minus strand). Cytogenetic location: 8q21.3.
Variant type: single nucleotide variant.
Coding change: c.1670C>A on transcript NM_002485.5 (MANE Select); coding-DNA position 1670, C replaced by A.
Protein change: p.Ala557Asp; replaces alanine 557 with aspartic acid.
Molecular consequence: missense variant.
Genome position (GRCh38, 1-based): chr8:89,953,419, G>T on the plus strand (C>A on the coding strand, the complement: NBN is on the minus strand). VCF-style: chr8-89953419-G-T. GRCh37 (hg19) VCF-style: chr8-90965647-G-T.
Other names: c.1424C>A, p.Ala475Asp (NM_001024688.3); short protein forms A475D, A557D.
Identifiers: ClinVar variation 2160601 (VCV002160601.4), dbSNP rs1286743873, ClinGen allele CA371655355.